The following is an entry in ClinVar:

NM_007294.4(BRCA1):c.3706A>G (p.Asn1236Asp)

Genes: BRCA1 (BRCA1 DNA repair associated; minus strand), LOC126862571 (BRD4-independent group 4 enhancer GRCh37_chr17:41243136-41244335; plus strand). Cytogenetic location: 17q21.31.
Variant type: single nucleotide variant.
Coding change: c.3706A>G on transcript NM_007294.4 (MANE Select); coding-DNA position 3706, A replaced by G.
Protein change: p.Asn1236Asp; replaces asparagine 1236 with aspartic acid.
Molecular consequence: missense variant. On other transcripts: intron variant (135).
Genome position (GRCh38, 1-based): chr17:43,091,825, T>C on the plus strand (A>G on the coding strand, the complement: BRCA1 is on the minus strand). VCF-style: chr17-43091825-T-C. GRCh37 (hg19) VCF-style: chr17-41243842-T-C.
Other names: c.3493A>G, p.Asn1165Asp (NM_001407571.1, NM_001407853.1, NM_001407894.1 and 9 more transcripts); c.3706A>G, p.Asn1236Asp (NM_001407581.1, NM_001407582.1, NM_001407583.1 and 30 more transcripts); c.3703A>G, p.Asn1235Asp (NM_001407587.1, NM_001407590.1, NM_001407591.1 and 22 more transcripts); c.3697A>G, p.Asn1233Asp (NM_001407646.1, NM_001407647.1); c.3583A>G, p.Asn1195Asp (NM_001407648.1, NM_001407664.1, NM_001407665.1 and 19 more transcripts); c.3580A>G, p.Asn1194Asp (NM_001407649.1, NM_001407670.1, NM_001407671.1 and 11 more transcripts); c.3628A>G, p.Asn1210Asp (NM_001407653.1, NM_001407654.1, NM_001407655.1 and 4 more transcripts); c.3625A>G, p.Asn1209Asp (NM_001407659.1, NM_001407660.1, NM_001407661.1 and 1 more transcripts); and 41 more; short protein forms N1236D, N1189D, N1166D, N1188D, N1210D, N1233D, N940D, N1068D.
Identifiers: ClinVar variation 630051 (VCV000630051.16), dbSNP rs1567790509, ClinGen allele CA10594551.

ClinVar aggregate classification (germline): Conflicting classifications of pathogenicity. Review status: criteria provided, conflicting classifications (1 of 4 stars). 4 submissions from 4 submitters: Uncertain significance (3); Likely benign (1). Last evaluated 2023-05-10.

Conditions:
Hereditary cancer-predisposing syndrome. Also called: Neoplastic Syndromes, Hereditary; Tumor predisposition; Hereditary neoplastic syndrome; Hereditary Cancer Syndrome. Identifiers: Orphanet 140162, MedGen C0027672, MeSH D009386, MONDO:0015356.
Hereditary breast ovarian cancer syndrome. Also called: Hereditary breast and ovarian cancer syndrome; Hereditary breast and ovarian cancer; Hereditary breast and ovarian cancer syndrome (HBOC); Breast and ovarian cancer; Hereditary breast and/or ovarian cancer syndrome; BRCA1- and BRCA2-Associated Hereditary Breast and Ovarian Cancer. Identifiers: Orphanet 145, MedGen C0677776, MeSH D061325, MONDO:0003582. Disease mechanism: loss of function.

Submissions (4):

Ambry Genetics
Classification: Uncertain significance for Hereditary cancer-predisposing syndrome. Last evaluated: 2023-05-10. Review status: criteria provided, single submitter. Criteria: Ambry Variant Classification Scheme 2023. Collection method: clinical testing. Allele origin: germline.
Comment: The p.N1236D variant (also known as c.3706A>G), located in coding exon 9 of the BRCA1 gene, results from an A to G substitution at nucleotide position 3706. The asparagine at codon 1236 is replaced by aspartic acid, an amino acid with highly similar properties. This amino acid position is not well conserved in available vertebrate species. In addition, this alteration is predicted to be tolerated by in silico analysis. Since supporting evidence is limited at this time, the clinical significance of this alteration remains unclear.

University of Washington Department of Laboratory Medicine, University of Washington
Classification: Likely benign for Hereditary cancer-predisposing syndrome. Last evaluated: 2023-03-23. Review status: criteria provided, single submitter. Criteria: Dines et al. (Genet Med. 2020). Collection method: curation. Allele origin: germline.
Comment: Missense variant in a coldspot region where missense variants are very unlikely to be pathogenic (PMID:31911673).

BRCA1 coldspot (exon 11 using historical exon numbering). Reclassification based on statistical prior probability

Labcorp Genetics (formerly Invitae), Labcorp
Classification: Uncertain significance for Hereditary breast ovarian cancer syndrome. Last evaluated: 2020-11-25. Review status: criteria provided, single submitter. Criteria: Invitae Variant Classification Sherloc (09022015). Collection method: clinical testing. Allele origin: germline.
Comment: In summary, the available evidence is currently insufficient to determine the role of this variant in disease. Therefore, it has been classified as a Variant of Uncertain Significance. Advanced modeling of protein sequence and biophysical properties (such as structural, functional, and spatial information, amino acid conservation, physicochemical variation, residue mobility, and thermodynamic stability) performed at Invitae indicates that this missense variant is not expected to disrupt BRCA1 protein function. This variant has not been reported in the literature in individuals with BRCA1-related conditions. ClinVar contains an entry for this variant (Variation ID: 630051). This variant is not present in population databases (ExAC no frequency). This sequence change replaces asparagine with aspartic acid at codon 1236 of the BRCA1 protein (p.Asn1236Asp). The asparagine residue is moderately conserved and there is a small physicochemical difference between asparagine and aspartic acid.

Color Diagnostics, LLC DBA Color Health
Classification: Uncertain significance for Hereditary cancer-predisposing syndrome. Last evaluated: 2019-05-02. Review status: criteria provided, single submitter. Criteria: ACMG Guidelines, 2015. Collection method: clinical testing. Allele origin: germline.